The following is an entry in ClinVar:

NM_000528.4(MAN2B1):c.1136C>T (p.Pro379Leu)

Gene: MAN2B1 (mannosidase alpha class 2B member 1; minus strand). Cytogenetic location: 19p13.13.
Variant type: single nucleotide variant.
Coding change: c.1136C>T on transcript NM_000528.4 (MANE Select); coding-DNA position 1136, C replaced by T.
Protein change: p.Pro379Leu; replaces proline 379 with leucine.
Molecular consequence: missense variant.
Genome position (GRCh38, 1-based): chr19:12,658,318, G>A on the plus strand (C>T on the coding strand, the complement: MAN2B1 is on the minus strand). VCF-style: chr19-12658318-G-A. GRCh37 (hg19) VCF-style: chr19-12769132-G-A.
Other names: c.1133C>T, p.Pro378Leu (NM_001173498.2); short protein forms P379L, P378L.
Identifiers: ClinVar variation 208262 (VCV000208262.2), dbSNP rs864621981, ClinGen allele CA350985.
Genomic context (GRCh38, chr19:12,658,318, plus strand): 5'-TTGAGGGCCGGCCGACTGGAAAAGTAACCGGTCCAGAACTGGTGGGGGCCATCCGCGTAA[G>A]GGAAGAAGTCGTCATGTTTCACTGACCTACAGCGGCAGGGGCATTGAGGGCAGGGTCATG-3'
Protein context (NP_000519.2, residues 369-389): TWSVKHDDFF[Pro379Leu]YADGPHQFWT

ClinVar aggregate classification (germline): Uncertain significance. Review status: criteria provided, single submitter (1 of 4 stars). 2 submissions from 2 submitters: Uncertain significance (1). 1 of the submissions does not count toward it. Last evaluated 2025-11-14.

Conditions:
Deficiency of alpha-mannosidase (MANSA). Also called: LYSOSOMAL ALPHA-D-MANNOSIDASE DEFICIENCY; Mannosidosis, alpha-, types I and II; Alpha-Mannosidosis. Identifiers: Orphanet 61, MedGen C0024748, MONDO:0009561, OMIM 248500.

Allele frequency attached by ClinVar (database versions not stated): gnomAD exomes below 0.00001; gnomAD 0.00001; TOPMed 0.00001.
gnomAD v4.1: 2 of 1,614,120 alleles (0.00012%); highest among the groups gnomAD compares: African/African-American, 0.0013%; no homozygotes.

Submissions (2):

Women's Health and Genetics/Laboratory Corporation of America, LabCorp
Classification: Uncertain significance. Last evaluated: 2025-11-14. Review status: criteria provided, single submitter. Criteria: LabCorp Variant Classification Summary - May 2015. Collection method: clinical testing. Allele origin: germline.
Comment: Variant summary: MAN2B1 c.1136C>T (p.Pro379Leu) results in a non-conservative amino acid change in the encoded protein sequence. Algorithms developed to predict the effect of missense changes on protein structure and function all suggest that this variant is likely to be disruptive. The variant was absent in 251416 control chromosomes. c.1136C>T has been observed in a compound heterozygous individual affected with Alpha-Mannosidosis (Riise Stensland_2012). These data do not allow any conclusion about variant significance. At least two publications report experimental evidence evaluating an impact on protein function. The variant was found to have similar subcellular localization and intracellular processing as the wildtype protein (Kuokkanen_2011), but resulted in 10%-<30% of normal activity (Riise Stensland_2012). The following publications have been ascertained in the context of this evaluation (PMID: 21505070, 22161967). ClinVar contains an entry for this variant (Variation ID: 208262). Based on the evidence outlined above, the variant was classified as VUS-possibly pathogenic.

ClinVar Staff, National Center for Biotechnology Information (NCBI)
Classification: Uncertain significance for Deficiency of alpha-mannosidase. Last evaluated: 2012-06-07. Review status: no assertion criteria provided. Collection method: literature only. Allele origin: germline. Affected: yes. Not counted in ClinVar's aggregate classification.

Literature cited by the submitters: PubMed 22161967 (cited by Women's Health and Genetics/Laboratory Corporation of America, LabCorp and ClinVar Staff, National Center for Biotechnology Information (NCBI)); PubMed 21505070 (cited by Women's Health and Genetics/Laboratory Corporation of America, LabCorp).